The following is an entry in ClinVar:

ClinVar aggregate classification (germline): Uncertain significance. Review status: criteria provided, multiple submitters, no conflicts (2 of 4 stars). 2 submissions from 2 submitters: Uncertain significance (2). Last evaluated 2025-01-03.

Conditions:
Inborn genetic diseases. Identifiers: MedGen C0950123, MeSH D030342.
Fanconi anemia (FA). Also called: Fanconi's anemia. Identifiers: Orphanet 84, MedGen C0015625, MeSH D005199, MONDO:0019391.

Allele frequency attached by ClinVar (database versions not stated): gnomAD exomes 0.00001; TOPMed 0.00001; ExAC 0.00001.
gnomAD v4.1: 10 of 1,609,736 alleles (0.00062%); highest among the groups gnomAD compares: Admixed American, 0.0033%; no homozygotes.

Submissions (2):

Ambry Genetics
Classification: Uncertain significance for Inborn genetic diseases. Last evaluated: 2025-01-03. Review status: criteria provided, single submitter. Criteria: Ambry Variant Classification Scheme 2023. Collection method: clinical testing. Allele origin: germline.
Comment: The p.R474H variant (also known as c.1421G>A), located in coding exon 9 of the FANCM gene, results from a G to A substitution at nucleotide position 1421. The arginine at codon 474 is replaced by histidine, an amino acid with highly similar properties. This amino acid position is conserved. In addition, this alteration is predicted to be tolerated by in silico analysis. Based on the available evidence, the clinical significance of this variant remains unclear.

Labcorp Genetics (formerly Invitae), Labcorp
Classification: Uncertain significance for Fanconi anemia. Last evaluated: 2024-08-06. Review status: criteria provided, single submitter. Criteria: Invitae Variant Classification Sherloc (09022015). Collection method: clinical testing. Allele origin: germline.
Comment: This sequence change replaces arginine, which is basic and polar, with histidine, which is basic and polar, at codon 474 of the FANCM protein (p.Arg474His). This variant is present in population databases (rs532369576, gnomAD 0.006%). This variant has not been reported in the literature in individuals affected with FANCM-related conditions. ClinVar contains an entry for this variant (Variation ID: 2038714). An algorithm developed to predict the effect of missense changes on protein structure and function (PolyPhen-2) suggests that this variant is likely to be tolerated. In summary, the available evidence is currently insufficient to determine the role of this variant in disease. Therefore, it has been classified as a Variant of Uncertain Significance.

NM_020937.4(FANCM):c.1421G>A (p.Arg474His)

Gene: FANCM (FA complementation group M; plus strand). Cytogenetic location: 14q21.2.
Variant type: single nucleotide variant.
Coding change: c.1421G>A on transcript NM_020937.4 (MANE Select); coding-DNA position 1421, G replaced by A.
Protein change: p.Arg474His; replaces arginine 474 with histidine.
Molecular consequence: missense variant.
Genome position (GRCh38, 1-based): chr14:45,159,120, G>A. VCF-style: chr14-45159120-G-A. GRCh37 (hg19) VCF-style: chr14-45628323-G-A.
Other names: c.1343G>A, p.Arg448His (NM_001308133.2); c.1421G>A, p.Arg474His (NM_001308134.2); short protein forms R448H, R474H.
Identifiers: ClinVar variation 2038714 (VCV002038714.5), dbSNP rs532369576, ClinGen allele CA7169053.
Genomic context (GRCh38, chr14:45,159,120, plus strand): 5'-AAAAGTTGTAATTAAAGTTTTTATATATATATATAGCTGAAAACACTACTGAAAAGAAAC[G>A]TGATGAGACCCGAGTTATGATCTTCTCTTCATTTCGAGATAGTGTTCAAGAAATTGCAGA-3'
Protein context (NP_065988.1, residues 464-484): WNAENTTEKK[Arg474His]DETRVMIFSS